The following is an entry in ClinVar:

ClinVar aggregate classification (germline): Uncertain significance (1 of 4 stars; one submission).

Submission:

Labcorp Genetics (formerly Invitae), Labcorp
Classification: Uncertain significance. Last evaluated: 2022-03-12. Review status: criteria provided, single submitter. Criteria: Invitae Variant Classification Sherloc (09022015). Collection method: clinical testing. Allele origin: germline.
Comment: This sequence change falls in intron 9 of the LAMC3 gene. It does not directly change the encoded amino acid sequence of the LAMC3 protein. This variant is present in population databases (no rsID available, gnomAD 0.006%). This variant has not been reported in the literature in individuals affected with LAMC3-related conditions. Algorithms developed to predict the effect of sequence changes on RNA splicing suggest that this variant may disrupt the consensus splice site. In summary, the available evidence is currently insufficient to determine the role of this variant in disease. Therefore, it has been classified as a Variant of Uncertain Significance.

NM_006059.4(LAMC3):c.1631-8_1631-4del

Genes: LAMC3 (laminin subunit gamma 3; plus strand), LOC126860777 (BRD4-independent group 4 enhancer GRCh37_chr9:133927058-133928257; plus strand). Cytogenetic location: 9q34.12.
Variant type: Deletion.
Coding change: c.1631-8_1631-4del on transcript NM_006059.4 (MANE Select); 8 bases into the intron before coding-DNA position 1631 through 4 bases into the intron before coding-DNA position 1631, 5 bases deleted (GTCTT; older notation c.1631-8_1631-4delGTCTT).
Molecular consequence: intron variant.
Genome position (GRCh38, 1-based): chr9:131,052,483-131,052,487, GTCTT deleted; deleting any 5 consecutive bases within chr9:131,052,479-131,052,487 gives the same sequence; the c. name uses the placement nearest the transcript's 3' end. VCF-style (leftmost placement, unchanged base first): chr9-131052478-CTCTTG-C. GRCh37 (hg19) VCF-style: chr9-133927865-CTCTTG-C.
Identifiers: ClinVar variation 1375100 (VCV001375100.5), dbSNP rs1409038317, ClinGen allele CA590739591.